The following is an entry in ClinVar:

NM_024105.4(ALG12):c.939C>T (p.Ile313=)

Gene: ALG12 (ALG12 alpha-1,6-mannosyltransferase; minus strand). Cytogenetic location: 22q13.33.
Variant type: single nucleotide variant.
Coding change: c.939C>T on transcript NM_024105.4 (MANE Select); coding-DNA position 939, C replaced by T.
Protein change: p.Ile313=; no amino-acid change (isoleucine 313 retained).
Molecular consequence: synonymous variant.
Genome position (GRCh38, 1-based): chr22:49,907,774, G>A on the plus strand (C>T on the coding strand, the complement: ALG12 is on the minus strand). VCF-style: chr22-49907774-G-A. GRCh37 (hg19) VCF-style: chr22-50301422-G-A.
Identifiers: ClinVar variation 698156 (VCV000698156.15), dbSNP rs114335781, ClinGen allele CA10300399.
Genomic context (GRCh38, chr22:49,907,774, plus strand): 5'-CACTCACAGGTAGGAGCAGCCTCTGGCAGCCGTGATGTTGAGCATGGGGAAGGCATAGAT[G>A]ATGAAGCGTAGCTCCTTGTGTGGCAGGAGGGAGTAGAGTGCCATGAAGCCCAGTGCCAGC-3'
Protein context (NP_077010.1, residues 303-323): SLLPHKELRF[Ile313=]IYAFPMLNIT

ClinVar aggregate classification (germline): Benign/Likely benign. Review status: criteria provided, multiple submitters, no conflicts (2 of 4 stars). 3 submissions from 3 submitters: Benign (1); Likely benign (2). Last evaluated 2026-01-24.

Conditions:
ALG12-congenital disorder of glycosylation (CDG1G). Also called: CDG Ig; Congenital disorder of glycosylation, type Ig; ALG12-CDG. Identifiers: Orphanet 79324, MedGen C2931001, MONDO:0011783, OMIM 607143.

Allele frequency attached by ClinVar (database versions not stated): gnomAD exomes 0.00077 and 0.00204; ExAC 0.00254; gnomAD 0.00818 and 0.00874; ESP Exome Variant Server 0.00838; TOPMed 0.00866; 1000 Genomes Project 30x 0.01015; 1000 Genomes Project 0.01018.
gnomAD v4.1: 2,422 of 1,614,158 alleles (0.15%); highest among the groups gnomAD compares: African/African-American, 2.9%; 39 homozygotes.

Submissions (3):

Labcorp Genetics (formerly Invitae), Labcorp
Classification: Benign for ALG12-congenital disorder of glycosylation. Last evaluated: 2026-01-24. Review status: criteria provided, single submitter. Criteria: Invitae Variant Classification Sherloc (09022015). Collection method: clinical testing. Allele origin: germline.

Illumina Laboratory Services, Illumina
Classification: Likely benign for ALG12-congenital disorder of glycosylation. Last evaluated: 2018-01-13. Review status: criteria provided, single submitter. Criteria: ICSL Variant Classification Criteria 13 December 2019. Collection method: clinical testing. Allele origin: germline.
Comment: This variant was observed in the ICSL laboratory as part of a predisposition screen in an ostensibly healthy population. It had not been previously curated by ICSL or reported in the Human Gene Mutation Database (HGMD: prior to June 1st, 2018), and was therefore a candidate for classification through an automated scoring system. Utilizing variant allele frequency, disease prevalence and penetrance estimates, and inheritance mode, an automated score was calculated to assess if this variant is too frequent to cause the disease. Based on the score and internal cut-off values, a variant classified as likely benign is not then subjected to further curation. The score for this variant resulted in a classification of likely benign for this disease.

Breakthrough Genomics
Classification: Likely benign. Review status: criteria provided, single submitter. Criteria: ACMG Guidelines, 2015. Collection method: not provided. Allele origin: germline. Inheritance: Autosomal recessive inheritance. Affected: yes.